The following is an entry in ClinVar:

ClinVar aggregate classification (germline): Benign/Likely benign. Review status: criteria provided, multiple submitters, no conflicts (2 of 4 stars). 9 submissions from 9 submitters: Benign (1); Likely benign (4). 4 of the submissions do not count toward it. Last evaluated 2026-07-01.

Conditions:
MYH14-related disorder. Also called: MYH14-related condition.

Allele frequency attached by ClinVar (database versions not stated): ESP Exome Variant Server 0.00056; TOPMed 0.00059; 1000 Genomes Project 30x 0.00094; 1000 Genomes Project 0.00100.
gnomAD v4.1: 219 of 1,612,458 alleles (0.014%); highest among the groups gnomAD compares: African/African-American, 0.22%; no homozygotes.

Submissions (9):

CeGaT Center for Human Genetics Tuebingen
Classification: Likely benign. Last evaluated: 2026-07-01. Review status: criteria provided, single submitter. Criteria: CeGaT Center For Human Genetics Tuebingen Variant Classification Criteria Version 2. Collection method: clinical testing. Allele origin: germline. Affected: yes. Observed: 2 variant alleles.
Comment: MYH14: BP4, BS1

Labcorp Genetics (formerly Invitae), Labcorp
Classification: Likely benign. Last evaluated: 2026-02-01. Review status: criteria provided, single submitter. Criteria: Invitae Variant Classification Sherloc (09022015). Collection method: clinical testing. Allele origin: germline.

Women's Health and Genetics/Laboratory Corporation of America, LabCorp
Classification: Likely benign. Last evaluated: 2025-12-08. Review status: criteria provided, single submitter. Criteria: LabCorp Variant Classification Summary - May 2015. Collection method: clinical testing. Allele origin: germline.

Laboratory for Molecular Medicine, Mass General Brigham Personalized Medicine
Classification: Benign. Last evaluated: 2018-09-17. Review status: criteria provided, single submitter. Criteria: LMM Criteria. Collection method: clinical testing. Allele origin: germline. Observed: 2 variant alleles.
Comment: The Gly1695Arg variant in MYH14 is classified as benign because it has been iden tified in 0.2% (49/23552) of African chromosomes by gnomAD. ACMG/AMP Criteria applied: BA1.

Breakthrough Genomics
Classification: Likely benign. Review status: criteria provided, single submitter. Criteria: ACMG Guidelines, 2015. Collection method: not provided. Allele origin: germline. Inheritance: Autosomal dominant inheritance. Affected: yes.

PreventionGenetics, part of Exact Sciences
Classification: Likely benign for MYH14-related condition. Last evaluated: 2019-07-25. Review status: no assertion criteria provided. Collection method: clinical testing. Allele origin: germline. Not counted in ClinVar's aggregate classification.
Comment: This variant is classified as likely benign based on ACMG/AMP sequence variant interpretation guidelines (Richards et al. 2015 PMID: 25741868, with internal and published modifications).

Clinical Genetics DNA and cytogenetics Diagnostics Lab, Erasmus MC, Erasmus Medical Center
Classification: Likely benign. Review status: no assertion criteria provided. Collection method: clinical testing. Allele origin: germline. Affected: yes. Study: VKGL Data-share Consensus. Not counted in ClinVar's aggregate classification.

Clinical Genetics, Academic Medical Center
Classification: Likely benign. Review status: no assertion criteria provided. Collection method: clinical testing. Allele origin: germline. Affected: yes. Study: VKGL Data-share Consensus. Not counted in ClinVar's aggregate classification.

Laboratory of Diagnostic Genome Analysis, Leiden University Medical Center (LUMC)
Classification: Likely benign. Review status: no assertion criteria provided. Collection method: clinical testing. Allele origin: germline. Affected: yes. Study: VKGL Data-share Consensus. Not counted in ClinVar's aggregate classification.

NM_001145809.2(MYH14):c.5083G>C (p.Gly1695Arg)

Gene: MYH14 (myosin heavy chain 14; plus strand). Cytogenetic location: 19q13.33.
Variant type: single nucleotide variant.
Coding change: c.5083G>C on transcript NM_001145809.2 (MANE Select); coding-DNA position 5083, G replaced by C.
Protein change: p.Gly1695Arg; replaces glycine 1695 with arginine.
Molecular consequence: missense variant.
Genome position (GRCh38, 1-based): chr19:50,291,004, G>C. VCF-style: chr19-50291004-G-C. GRCh37 (hg19) VCF-style: chr19-50794261-G-C.
Other names: c.4984G>C, p.Gly1662Arg (NM_001077186.2); c.4960G>C, p.Gly1654Arg (NM_024729.4); short protein forms G1695R, G1654R, G1662R.
Identifiers: ClinVar variation 164202 (VCV000164202.43), dbSNP rs199915414, ClinGen allele CA176921.